The following is an entry in ClinVar:

NM_021939.4(FKBP10):c.591_598dup (p.Thr200fs)

Gene: FKBP10 (FKBP prolyl isomerase 10; plus strand). Cytogenetic location: 17q21.2.
Variant type: Duplication.
Coding change: c.591_598dup on transcript NM_021939.4 (MANE Select); coding-DNA positions 591 to 598, 8 bases duplicated (GGGCGGCA; older notation c.591_598dupGGGCGGCA).
Protein change: p.Thr200fs; shifts the reading frame from threonine 200.
Molecular consequence: frameshift variant.
Genome position (GRCh38, 1-based): chr17:41,818,391-41,818,398, GGGCGGCA duplicated; duplicating any 8 consecutive bases within chr17:41,818,390-41,818,398 gives the same sequence; the c. name uses the placement nearest the transcript's 3' end. VCF-style (leftmost placement, unchanged base first): chr17-41818389-A-AAGGGCGGC. GRCh37 (hg19) VCF-style: chr17-39974641-A-AAGGGCGGC.
Other names: short protein forms T200fs.
Identifiers: ClinVar variation 2858998 (VCV002858998.3), dbSNP rs2544433461, ClinGen allele CA2739267542.

ClinVar aggregate classification (germline): Pathogenic (1 of 4 stars; one submission).

Submission:

Labcorp Genetics (formerly Invitae), Labcorp
Classification: Pathogenic. Last evaluated: 2023-04-25. Review status: criteria provided, single submitter. Criteria: Invitae Variant Classification Sherloc (09022015). Collection method: clinical testing. Allele origin: germline.
Comment: For these reasons, this variant has been classified as Pathogenic. This variant has not been reported in the literature in individuals affected with FKBP10-related conditions. This variant is not present in population databases (gnomAD no frequency). This sequence change creates a premature translational stop signal (p.Thr200Argfs*14) in the FKBP10 gene. It is expected to result in an absent or disrupted protein product. Loss-of-function variants in FKBP10 are known to be pathogenic (PMID: 22689593, 22949511).

Literature cited by the submitters: PubMed 22689593; PubMed 22949511.